The following is an entry in ClinVar:

NM_007294.4(BRCA1):c.1591A>G (p.Met531Val)

Gene: BRCA1 (BRCA1 DNA repair associated; minus strand). Cytogenetic location: 17q21.31.
Variant type: single nucleotide variant.
Coding change: c.1591A>G on transcript NM_007294.4 (MANE Select); coding-DNA position 1591, A replaced by G.
Protein change: p.Met531Val; replaces methionine 531 with valine.
Molecular consequence: missense variant. On other transcripts: intron variant (137).
Genome position (GRCh38, 1-based): chr17:43,093,940, T>C on the plus strand (A>G on the coding strand, the complement: BRCA1 is on the minus strand). VCF-style: chr17-43093940-T-C. GRCh37 (hg19) VCF-style: chr17-41245957-T-C.
Other names: c.664+804A>G (NM_001408438.1, NM_001408430.1, NM_001408427.1 and 12 more transcripts); c.670+1906A>G (NM_001408423.1, NM_001408420.1, NM_001408419.1 and 2 more transcripts); c.787+804A>G (NM_001408404.1, NM_001408472.1, NM_001407990.1 and 19 more transcripts); c.577+804A>G (NM_001408492.1, NM_001408513.1, NM_001408489.1 and 9 more transcripts); c.643+804A>G (NM_001408468.1, NM_001408465.1, NM_001408463.1 and 3 more transcripts); c.523+804A>G (NM_001408501.1, NM_001408500.1, NM_001408497.1 and 3 more transcripts); c.646+804A>G (NM_001408455.1, NM_001408466.1, NM_001408452.1 and 11 more transcripts); c.520+804A>G (NM_001408503.1, NM_001408505.1, NM_001408504.1); and 40 more; short protein forms M484V, M531V, M403V, M460V, M463V, M464V, M235V, M442V.
Identifiers: ClinVar variation 1063010 (VCV001063010.12), dbSNP rs2053916000, ClinGen allele CA10598864.

ClinVar aggregate classification (germline): Conflicting classifications of pathogenicity. Review status: criteria provided, conflicting classifications (1 of 4 stars). 2 submissions from 2 submitters: Uncertain significance (1); Likely benign (1). Last evaluated 2023-03-23.

Conditions:
Hereditary cancer-predisposing syndrome. Also called: Hereditary Cancer Syndrome; Hereditary neoplastic syndrome; Neoplastic Syndromes, Hereditary; Tumor predisposition. Identifiers: Orphanet 140162, MedGen C0027672, MeSH D009386, MONDO:0015356.
Hereditary breast ovarian cancer syndrome. Also called: Hereditary breast and ovarian cancer syndrome (HBOC); Breast and ovarian cancer; Hereditary breast and/or ovarian cancer syndrome; BRCA1- and BRCA2-Associated Hereditary Breast and Ovarian Cancer; Hereditary breast and ovarian cancer syndrome; Hereditary breast and ovarian cancer. Identifiers: Orphanet 145, MedGen C0677776, MeSH D061325, MONDO:0003582. Disease mechanism: loss of function.

gnomAD v4.1: 1 of 1,613,888 alleles (0.000062%); no homozygotes.

Submissions (2):

University of Washington Department of Laboratory Medicine, University of Washington
Classification: Likely benign for Hereditary cancer-predisposing syndrome. Last evaluated: 2023-03-23. Review status: criteria provided, single submitter. Criteria: Dines et al. (Genet Med. 2020). Collection method: curation. Allele origin: germline.
Comment: Missense variant in a coldspot region where missense variants are very unlikely to be pathogenic (PMID:31911673).

BRCA1 coldspot (exon 11 using historical exon numbering). Reclassification based on statistical prior probability

Labcorp Genetics (formerly Invitae), Labcorp
Classification: Uncertain significance for Hereditary breast ovarian cancer syndrome. Last evaluated: 2020-03-17. Review status: criteria provided, single submitter. Criteria: Invitae Variant Classification Sherloc (09022015). Collection method: clinical testing. Allele origin: germline.
Comment: This sequence change replaces methionine with valine at codon 531 of the BRCA1 protein (p.Met531Val). The methionine residue is weakly conserved and there is a small physicochemical difference between methionine and valine. This variant is not present in population databases (ExAC no frequency). This variant has not been reported in the literature in individuals with BRCA1-related conditions. Algorithms developed to predict the effect of missense changes on protein structure and function (SIFT, PolyPhen-2, Align-GVGD) all suggest that this variant is likely to be tolerated, but these predictions have not been confirmed by published functional studies and their clinical significance is uncertain. In summary, the available evidence is currently insufficient to determine the role of this variant in disease. Therefore, it has been classified as a Variant of Uncertain Significance.